The following is an entry in ClinVar:

NM_001142800.2(EYS):c.6961ATC[1] (p.Ile2322del)

Gene: EYS (EGF-like photoreceptor maintenance factor; minus strand). Cytogenetic location: 6q12.
Variant type: Microsatellite.
Coding change: c.6961ATC[1] on transcript NM_001142800.2 (MANE Select); one copy of the 3-base unit ATC starting at c.6961; the reference has two copies in a row; one copy, 3 bases deleted.
Protein change: p.Ile2322del; deletes isoleucine 2322.
Molecular consequence: inframe deletion.
Genome position (GRCh38, 1-based): chr6:63,984,472-63,984,474, GAT deleted on the plus strand (ATC on the coding strand, the reverse complement: EYS is on the minus strand); deleting any 3 consecutive bases within chr6:63,984,472-63,984,479 gives the same sequence; the position shown is the placement nearest the transcript's 3' end. VCF-style (leftmost placement, unchanged base first): chr6-63984471-CGAT-C. GRCh37 (hg19) VCF-style: chr6-64694364-CGAT-C.
Other names: c.6961ATC[1], p.Ile2322del (NM_001292009.2); short protein forms I2322del.
Identifiers: ClinVar variation 1492787 (VCV001492787.6), dbSNP rs2149792286, ClinGen allele CA2580617276.
Genomic context (GRCh38, chr6:63,984,471, plus strand): 5'-GATGATGAGCACACCAAGGGACGTGGCAGTTCTCAATATTCTTTCCATGTCGTGCTTCAT[CGAT>C]GATGAAGAATTCTTTGTTGTTTACTTGAAGGTCTAGAATGCAGCCCCTGAACCCATAAAC-3'

ClinVar aggregate classification (germline): Uncertain significance (1 of 4 stars; one submission).

Submission:

Labcorp Genetics (formerly Invitae), Labcorp
Classification: Uncertain significance. Last evaluated: 2024-10-08. Review status: criteria provided, single submitter. Criteria: Invitae Variant Classification Sherloc (09022015). Collection method: clinical testing. Allele origin: germline.
Comment: This variant, c.6964_6966del, results in the deletion of 1 amino acid(s) of the EYS protein (p.Ile2322del), but otherwise preserves the integrity of the reading frame. This variant is not present in population databases (gnomAD no frequency). This variant has not been reported in the literature in individuals affected with EYS-related conditions. Experimental studies and prediction algorithms are not available or were not evaluated, and the functional significance of this variant is currently unknown. In summary, the available evidence is currently insufficient to determine the role of this variant in disease. Therefore, it has been classified as a Variant of Uncertain Significance.